The following is an entry in ClinVar:

NM_025114.4(CEP290):c.101A>T (p.Lys34Met)

Gene: CEP290 (centrosomal protein 290; minus strand). Cytogenetic location: 12q21.32.
Variant type: single nucleotide variant.
Coding change: c.101A>T on transcript NM_025114.4 (MANE Select); coding-DNA position 101, A replaced by T.
Protein change: p.Lys34Met; replaces lysine 34 with methionine.
Molecular consequence: missense variant.
Genome position (GRCh38, 1-based): chr12:88,141,207, T>A on the plus strand (A>T on the coding strand, the complement: CEP290 is on the minus strand). VCF-style: chr12-88141207-T-A. GRCh37 (hg19) VCF-style: chr12-88534984-T-A.
Other names: c.101A>T (NM_025114.3); short protein forms K34M.
Identifiers: ClinVar variation 1010052 (VCV001010052.7), dbSNP rs574089816, ClinGen allele CA6712916.

ClinVar aggregate classification (germline): Uncertain significance. Review status: criteria provided, multiple submitters, no conflicts (2 of 4 stars). 2 submissions from 2 submitters: Uncertain significance (2). Last evaluated 2026-08-21.

Conditions:
Joubert syndrome. Also called: Familial aplasia of the vermis; JOUBERT-BOLTSHAUSER SYNDROME. Identifiers: Orphanet 475, MedGen C5979921, MONDO:0018772.
Nephronophthisis. Also called: Juvenile Nephronophthisis. Identifiers: Orphanet 655, MedGen C0687120, MONDO:0019005, HP:0000090.
Meckel-Gruber syndrome. Also called: DYSENCEPHALIA SPLANCHNOCYSTICA; GRUBER SYNDROME; Dysencephalia splachnocystica. Identifiers: Orphanet 564, MedGen C0265215, MONDO:0018921.
CEP290-related disorder. Also called: CEP290-related disorders; CEP290-related condition. Identifiers: MedGen CN239314.

Allele frequency attached by ClinVar (database versions not stated): ExAC 0.00001; gnomAD 0.00001; gnomAD exomes 0.00001 and below 0.00001; TOPMed 0.00002; 1000 Genomes Project 0.00020; 1000 Genomes Project 30x 0.00031.
gnomAD v4.1: 2 of 1,604,786 alleles (0.00012%); highest among the groups gnomAD compares: African/African-American, 0.0027%; no homozygotes.

Submissions (2):

PreventionGenetics, part of Exact Sciences
Classification: Uncertain significance for CEP290-related condition. Last evaluated: 2026-08-21. Review status: criteria provided, single submitter. Criteria: ACMG Guidelines, 2015. Collection method: clinical testing. Allele origin: germline.
Comment: The CEP290 c.101A>T variant is predicted to result in the amino acid substitution p.Lys34Met. To our knowledge, this variant has not been reported in the literature. This variant is reported in 0.013% of alleles in individuals of African descent in gnomAD. At this time, the clinical significance of this variant is uncertain due to the absence of conclusive functional and genetic evidence.

Labcorp Genetics (formerly Invitae), Labcorp
Classification: Uncertain significance for Joubert syndrome; Meckel-Gruber syndrome; Nephronophthisis. Last evaluated: 2022-02-24. Review status: criteria provided, single submitter. Criteria: Invitae Variant Classification Sherloc (09022015). Collection method: clinical testing. Allele origin: germline.
Comment: This sequence change replaces lysine, which is basic and polar, with methionine, which is neutral and non-polar, at codon 34 of the CEP290 protein (p.Lys34Met). This variant is present in population databases (rs574089816, gnomAD 0.01%). This variant has not been reported in the literature in individuals affected with CEP290-related conditions. ClinVar contains an entry for this variant (Variation ID: 1010052). Algorithms developed to predict the effect of missense changes on protein structure and function are either unavailable or do not agree on the potential impact of this missense change (SIFT: "Deleterious"; PolyPhen-2: "Benign"; Align-GVGD: "Class C0"). Algorithms developed to predict the effect of sequence changes on RNA splicing suggest that this variant may disrupt the consensus splice site. In summary, the available evidence is currently insufficient to determine the role of this variant in disease. Therefore, it has been classified as a Variant of Uncertain Significance.